The following is an entry in ClinVar:

NM_001145809.2(MYH14):c.2424+1G>A

Gene: MYH14 (myosin heavy chain 14; plus strand). Cytogenetic location: 19q13.33.
Variant type: single nucleotide variant.
Coding change: c.2424+1G>A on transcript NM_001145809.2 (MANE Select); the canonical splice donor site of the intron after coding-DNA position 2424, G replaced by A.
Molecular consequence: splice donor variant.
Genome position (GRCh38, 1-based): chr19:50,260,716, G>A. VCF-style: chr19-50260716-G-A. GRCh37 (hg19) VCF-style: chr19-50763973-G-A.
Other names: c.2325+1G>A (NM_001077186.2); c.2301+1G>A (NM_024729.4).
Identifiers: ClinVar variation 1469926 (VCV001469926.8), dbSNP rs2123347425, ClinGen allele CA406945309.

ClinVar aggregate classification (germline): Likely pathogenic (1 of 4 stars; one submission).

Submission:

Labcorp Genetics (formerly Invitae), Labcorp
Classification: Likely pathogenic. Last evaluated: 2022-03-10. Review status: criteria provided, single submitter. Criteria: Invitae Variant Classification Sherloc (09022015). Collection method: clinical testing. Allele origin: germline.
Comment: This sequence change affects a donor splice site in intron 18 of the MYH14 gene. It is expected to disrupt RNA splicing. Variants that disrupt the donor or acceptor splice site typically lead to a loss of protein function (PMID: 16199547), and loss-of-function variants in MYH14 are known to be pathogenic (PMID: 15015131, 28221712). This variant is not present in population databases (gnomAD no frequency). This variant has not been reported in the literature in individuals affected with MYH14-related conditions. Algorithms developed to predict the effect of sequence changes on RNA splicing suggest that this variant may disrupt the consensus splice site. In summary, the currently available evidence indicates that the variant is pathogenic, but additional data are needed to prove that conclusively. Therefore, this variant has been classified as Likely Pathogenic.

Literature cited by the submitters: PubMed 16199547; PubMed 15015131; PubMed 28221712.